The following is an entry in ClinVar:

NM_199420.4(POLQ):c.6977T>C (p.Ile2326Thr)

Gene: POLQ (DNA polymerase theta; minus strand). Cytogenetic location: 3q13.33.
Variant type: single nucleotide variant.
Coding change: c.6977T>C on transcript NM_199420.4 (MANE Select); coding-DNA position 6977, T replaced by C.
Protein change: p.Ile2326Thr; replaces isoleucine 2326 with threonine.
Molecular consequence: missense variant.
Genome position (GRCh38, 1-based): chr3:121,460,225, A>G on the plus strand (T>C on the coding strand, the complement: POLQ is on the minus strand). VCF-style: chr3-121460225-A-G. GRCh37 (hg19) VCF-style: chr3-121179072-A-G.
Other names: short protein forms I2326T.
Identifiers: ClinVar variation 3308594 (VCV003308594.1).

ClinVar aggregate classification (germline): Uncertain significance (1 of 4 stars; one submission).

gnomAD v4.1: 1 of 1,611,776 alleles (0.000062%); highest among the groups gnomAD compares: Non-Finnish European, 0.000085%; no homozygotes.

Submission:

Ambry Genetics
Classification: Uncertain significance. Last evaluated: 2024-03-19. Review status: criteria provided, single submitter. Criteria: Ambry Variant Classification Scheme 2023. Collection method: clinical testing. Allele origin: germline.
Comment: The p.I2326T variant (also known as c.6977T>C), located in coding exon 25 of the POLQ gene, results from a T to C substitution at nucleotide position 6977. The isoleucine at codon 2326 is replaced by threonine, an amino acid with similar properties. This amino acid position is conserved. In addition, this alteration is predicted to be deleterious by in silico analysis. Based on the available evidence, the clinical significance of this alteration remains unclear.